The following is an entry in ClinVar:

NM_000286.3(PEX12):c.*836G>C

Gene: PEX12 (peroxisomal biogenesis factor 12; minus strand). Cytogenetic location: 17q12.
Variant type: single nucleotide variant.
Coding change: c.*836G>C on transcript NM_000286.3 (MANE Select); 836 bases downstream of the stop codon, G replaced by C.
Molecular consequence: 3 prime UTR variant.
Genome position (GRCh38, 1-based): chr17:35,574,946, C>G on the plus strand (G>C on the coding strand, the complement: PEX12 is on the minus strand). VCF-style: chr17-35574946-C-G. GRCh37 (hg19) VCF-style: chr17-33901965-C-G.
Identifiers: ClinVar variation 322636 (VCV000322636.6), dbSNP rs10068, ClinGen allele CA10649066.

ClinVar aggregate classification (germline): Benign. Review status: criteria provided, multiple submitters, no conflicts (2 of 4 stars). 2 submissions from 2 submitters: Benign (2). Last evaluated 2018-01-12.

Conditions:
Peroxisome biogenesis disorder 3A (Zellweger). Also called: PEROXISOMAL BIOGENESIS DISORDER 3A (ZELLWEGER); Peroxisome biogenesis disorder 3A. Identifiers: Orphanet 912, MedGen C3553929, MONDO:0013927, OMIM 614859.

Allele frequency attached by ClinVar (database versions not stated): gnomAD 0.36813 and 0.36472; TOPMed 0.37448; 1000 Genomes Project 0.40096; gnomAD exomes 0.32629; 1000 Genomes Project 30x 0.40069.
gnomAD v4.1: 56,186 of 152,472 alleles (37%); highest among the groups gnomAD compares: South Asian, 45%; 10,385 homozygotes.

Submissions (2):

Illumina Laboratory Services, Illumina
Classification: Benign for Peroxisome biogenesis disorder 3A (Zellweger). Last evaluated: 2018-01-12. Review status: criteria provided, single submitter. Criteria: ICSL Variant Classification Criteria 13 December 2019. Collection method: clinical testing. Allele origin: germline.
Comment: This variant was observed in the ICSL laboratory as part of a predisposition screen in an ostensibly healthy population. It had not been previously curated by ICSL or reported in the Human Gene Mutation Database (HGMD: prior to June 1st, 2018), and was therefore a candidate for classification through an automated scoring system. Utilizing variant allele frequency, disease prevalence and penetrance estimates, and inheritance mode, an automated score was calculated to assess if this variant is too frequent to cause the disease. Based on the score and internal cut-off values, a variant classified as benign is not then subjected to further curation. The score for this variant resulted in a classification of benign for this disease.

Breakthrough Genomics
Classification: Benign. Review status: criteria provided, single submitter. Criteria: ACMG Guidelines, 2015. Collection method: not provided. Allele origin: germline. Inheritance: Autosomal recessive inheritance. Affected: yes.